The following is an entry in ClinVar:

NM_001134232.2(TMEM106B):c.441+5G>T

Gene: TMEM106B (transmembrane protein 106B; plus strand). Cytogenetic location: 7p21.3.
Variant type: single nucleotide variant.
Coding change: c.441+5G>T on transcript NM_001134232.2 (MANE Select); 5 bases into the intron after coding-DNA position 441, G replaced by T.
Molecular consequence: intron variant.
Genome position (GRCh38, 1-based): chr7:12,224,390, G>T. VCF-style: chr7-12224390-G-T. GRCh37 (hg19) VCF-style: chr7-12264016-G-T.
Other names: c.441+5G>T (NM_018374.4).
Identifiers: ClinVar variation 2811629 (VCV002811629.3), dbSNP rs2534915440, ClinGen allele CA2739266259.

ClinVar aggregate classification (germline): Uncertain significance (1 of 4 stars; one submission).

Submission:

Labcorp Genetics (formerly Invitae), Labcorp
Classification: Uncertain significance. Last evaluated: 2022-12-15. Review status: criteria provided, single submitter. Criteria: Invitae Variant Classification Sherloc (09022015). Collection method: clinical testing. Allele origin: germline.
Comment: This variant is not present in population databases (gnomAD no frequency). This sequence change falls in intron 5 of the TMEM106B gene. It does not directly change the encoded amino acid sequence of the TMEM106B protein. It affects a nucleotide within the consensus splice site. This variant has not been reported in the literature in individuals affected with TMEM106B-related conditions. Variants that disrupt the consensus splice site are a relatively common cause of aberrant splicing (PMID: 17576681, 9536098). Algorithms developed to predict the effect of sequence changes on RNA splicing suggest that this variant may disrupt the consensus splice site. In summary, the available evidence is currently insufficient to determine the role of this variant in disease. Therefore, it has been classified as a Variant of Uncertain Significance.

Literature cited by the submitters: PubMed 17576681; PubMed 9536098.